The following is an entry in ClinVar:

ClinVar aggregate classification (germline): Uncertain significance. Review status: criteria provided, multiple submitters, no conflicts (2 of 4 stars). 2 submissions from 2 submitters: Uncertain significance (2). Last evaluated 2025-10-15.

Conditions:
Vitamin D-dependent rickets, type 1A. Also called: PDDR IA; PSEUDOVITAMIN D-DEFICIENCY RICKETS, TYPE IA; VITAMIN D HYDROXYLATION-DEFICIENT RICKETS, TYPE 1A. Identifiers: MedGen CN283242, MONDO:0020723, OMIM 264700.

Allele frequency attached by ClinVar (database versions not stated): gnomAD exomes below 0.00001; TOPMed below 0.00001; ExAC 0.00001; gnomAD 0.00001; 1000 Genomes Project 30x 0.00016; 1000 Genomes Project 0.00020.

Submissions (2):

Myriad Genetics, Inc.
Classification: Uncertain significance for Vitamin D-dependent rickets, type 1A. Last evaluated: 2025-10-15. Review status: criteria provided, single submitter. Criteria: Myriad Autosomal Dominant, Autosomal Recessive and X-Linked Classification Criteria (2023). Collection method: clinical testing. Allele origin: unknown.
Comment: NM_000785.3(CYP27B1):c.1040T>A(I347N) is a missense variant classified as a variant of uncertain significance in the context of vitamin D-dependent rickets, CYP27B1-related. I347N has been observed in a case with relevant disease (PMID: 38822637). Relevant functional assessments of this variant are not available in the literature. I347N has been observed in referenced population frequency databases. In summary, there is insufficient evidence to classify NM_000785.3(CYP27B1):c.1040T>A(I347N) as pathogenic or benign. Please note: this variant was assessed in the context of healthy population screening.

Labcorp Genetics (formerly Invitae), Labcorp
Classification: Uncertain significance. Last evaluated: 2025-02-17. Review status: criteria provided, single submitter. Criteria: Invitae Variant Classification Sherloc (09022015). Collection method: clinical testing. Allele origin: germline.
Comment: This sequence change replaces isoleucine, which is neutral and non-polar, with asparagine, which is neutral and polar, at codon 347 of the CYP27B1 protein (p.Ile347Asn). This variant is present in population databases (rs556530774, gnomAD 0.003%). This variant has not been reported in the literature in individuals affected with CYP27B1-related conditions. ClinVar contains an entry for this variant (Variation ID: 955125). Invitae Evidence Modeling of protein sequence and biophysical properties (such as structural, functional, and spatial information, amino acid conservation, physicochemical variation, residue mobility, and thermodynamic stability) indicates that this missense variant is expected to disrupt CYP27B1 protein function with a positive predictive value of 80%. In summary, the available evidence is currently insufficient to determine the role of this variant in disease. Therefore, it has been classified as a Variant of Uncertain Significance.

Literature cited by the submitters: PubMed 38822637 (cited by Myriad Genetics, Inc.).

NM_000785.4(CYP27B1):c.1040T>A (p.Ile347Asn)

Gene: CYP27B1 (cytochrome P450 family 27 subfamily B member 1; minus strand). Cytogenetic location: 12q14.1.
Variant type: single nucleotide variant.
Coding change: c.1040T>A on transcript NM_000785.4 (MANE Select); coding-DNA position 1040, T replaced by A.
Protein change: p.Ile347Asn; replaces isoleucine 347 with asparagine.
Molecular consequence: missense variant.
Genome position (GRCh38, 1-based): chr12:57,764,474, A>T on the plus strand (T>A on the coding strand, the complement: CYP27B1 is on the minus strand). VCF-style: chr12-57764474-A-T. GRCh37 (hg19) VCF-style: chr12-58158257-A-T.
Other names: short protein forms I347N.
Identifiers: ClinVar variation 955125 (VCV000955125.10), dbSNP rs556530774, ClinGen allele CA6658239.